The following is an entry in ClinVar:

NM_018082.6(POLR3B):c.2351A>G (p.Asn784Ser)

Gene: POLR3B (RNA polymerase III subunit B; plus strand). Cytogenetic location: 12q23.3.
Variant type: single nucleotide variant.
Coding change: c.2351A>G on transcript NM_018082.6 (MANE Select); coding-DNA position 2351, A replaced by G.
Protein change: p.Asn784Ser; replaces asparagine 784 with serine.
Molecular consequence: missense variant.
Genome position (GRCh38, 1-based): chr12:106,457,195, A>G. VCF-style: chr12-106457195-A-G. GRCh37 (hg19) VCF-style: chr12-106850973-A-G.
Other names: c.2177A>G, p.Asn726Ser (NM_001160708.2); short protein forms N726S, N784S.
Identifiers: ClinVar variation 2068126 (VCV002068126.4), dbSNP rs766728879, ClinGen allele CA386388589.

ClinVar aggregate classification (germline): Uncertain significance (1 of 4 stars; one submission).

Allele frequency attached by ClinVar (database versions not stated): gnomAD 0.00001.
gnomAD v4.1: 25 of 1,612,962 alleles (0.0015%); highest among the groups gnomAD compares: East Asian, 0.0022%; no homozygotes.

Submission:

Labcorp Genetics (formerly Invitae), Labcorp
Classification: Uncertain significance. Last evaluated: 2022-08-15. Review status: criteria provided, single submitter. Criteria: Invitae Variant Classification Sherloc (09022015). Collection method: clinical testing. Allele origin: germline.
Comment: This variant is present in population databases (no rsID available, gnomAD 0.01%). This sequence change replaces asparagine, which is neutral and polar, with serine, which is neutral and polar, at codon 784 of the POLR3B protein (p.Asn784Ser). In summary, the available evidence is currently insufficient to determine the role of this variant in disease. Therefore, it has been classified as a Variant of Uncertain Significance. Algorithms developed to predict the effect of missense changes on protein structure and function are either unavailable or do not agree on the potential impact of this missense change (SIFT: "Deleterious"; PolyPhen-2: "Benign"; Align-GVGD: "Class C45"). This variant has not been reported in the literature in individuals affected with POLR3B-related conditions.